The following is an entry in ClinVar:

ClinVar aggregate classification (germline): Likely pathogenic (1 of 4 stars; one submission).

Submission:

Athena Diagnostics
Classification: Likely pathogenic. Last evaluated: 2020-01-13. Review status: criteria provided, single submitter. Criteria: Athena Diagnostics Criteria. Collection method: clinical testing. Allele origin: unknown.
Comment: Not found in the total gnomAD dataset, and the data is high quality. Predicted to have a damaging effect on the protein. Located in potentially critical domain of the protein.

NM_014946.4(SPAST):c.1250G>C (p.Gly417Ala)

Gene: SPAST (spastin; plus strand). Cytogenetic location: 2p22.3.
Variant type: single nucleotide variant.
Coding change: c.1250G>C on transcript NM_014946.4 (MANE Select); coding-DNA position 1250, G replaced by C.
Protein change: p.Gly417Ala; replaces glycine 417 with alanine.
Molecular consequence: missense variant.
Genome position (GRCh38, 1-based): chr2:32,136,567, G>C. VCF-style: chr2-32136567-G-C. GRCh37 (hg19) VCF-style: chr2-32361636-G-C.
Other names: c.1247G>C, p.Gly416Ala (NM_001363823.2); c.1151G>C, p.Gly384Ala (NM_001363875.2); c.1154G>C, p.Gly385Ala (NM_001377959.1, NM_199436.2); short protein forms G384A, G385A, G416A, G417A.
Identifiers: ClinVar variation 994784 (VCV000994784.1), dbSNP rs1553318161, ClinGen allele CA346501835.